The following is an entry in ClinVar:

NM_138576.4(BCL11B):c.1657G>C (p.Glu553Gln)

Gene: BCL11B (BCL11 transcription factor B; minus strand). Cytogenetic location: 14q32.2.
Variant type: single nucleotide variant.
Coding change: c.1657G>C on transcript NM_138576.4 (MANE Select); coding-DNA position 1657, G replaced by C.
Protein change: p.Glu553Gln; replaces glutamic acid 553 with glutamine.
Molecular consequence: missense variant.
Genome position (GRCh38, 1-based): chr14:99,175,179, C>G on the plus strand (G>C on the coding strand, the complement: BCL11B is on the minus strand). VCF-style: chr14-99175179-C-G. GRCh37 (hg19) VCF-style: chr14-99641516-C-G.
Other names: c.1654G>C, p.Glu552Gln (NM_001282237.2); c.1441G>C, p.Glu481Gln (NM_001282238.2); c.1444G>C, p.Glu482Gln (NM_022898.3); short protein forms E552Q, E482Q, E553Q, E481Q.
Identifiers: ClinVar variation 930916 (VCV000930916.27), dbSNP rs1283714584, ClinGen allele CA390934887.

ClinVar aggregate classification (germline): Uncertain significance. Review status: criteria provided, multiple submitters, no conflicts (2 of 4 stars). 2 submissions from 2 submitters: Uncertain significance (2). Last evaluated 2022-07-01.

Conditions:
Intellectual developmental disorder with speech delay, dysmorphic facies, and t-cell abnormalities. Also called: BCL11B-related BAFopathy. Identifiers: Orphanet 662829, MedGen C4748152, MONDO:0060763, OMIM 618092.

gnomAD v4.1: 1 of 1,577,830 alleles (0.000063%); highest among the groups gnomAD compares: Non-Finnish European, 0.000086%; no homozygotes.

Submissions (2):

CeGaT Center for Human Genetics Tuebingen
Classification: Uncertain significance. Last evaluated: 2022-07-01. Review status: criteria provided, single submitter. Criteria: CeGaT Center For Human Genetics Tuebingen Variant Classification Criteria Version 2. Collection method: clinical testing. Allele origin: germline. Affected: yes. Observed: 1 variant allele.
Comment: BCL11B: PM2, PP2

Centre for Mendelian Genomics, University Medical Centre Ljubljana
Classification: Uncertain significance for Intellectual developmental disorder with speech delay, dysmorphic facies, and t-cell abnormalities. Last evaluated: 2020-01-20. Review status: criteria provided, single submitter. Criteria: ACMG Guidelines, 2015. Collection method: clinical testing. Allele origin: unknown. Affected: yes.
Comment: This variant was classified as: Uncertain significance. The available evidence on this variant's pathogenicity is insufficient or conflicting. The following ACMG criteria were applied in classifying this variant: PM2,PP3.